The following is an entry in ClinVar:

NM_001379286.1(ZNF423):c.1880G>A (p.Arg627Gln)

Gene: ZNF423 (zinc finger protein 423; minus strand). Cytogenetic location: 16q12.1.
Variant type: single nucleotide variant.
Coding change: c.1880G>A on transcript NM_001379286.1 (MANE Select); coding-DNA position 1880, G replaced by A.
Protein change: p.Arg627Gln; replaces arginine 627 with glutamine.
Molecular consequence: missense variant.
Genome position (GRCh38, 1-based): chr16:49,637,296, C>T on the plus strand (G>A on the coding strand, the complement: ZNF423 is on the minus strand). VCF-style: chr16-49637296-C-T. GRCh37 (hg19) VCF-style: chr16-49671207-C-T.
Other names: c.1676G>A, p.Arg559Gln (NM_001271620.2); c.1505G>A, p.Arg502Gln (NM_001330533.2); c.1856G>A, p.Arg619Gln (NM_015069.5); short protein forms R559Q, R502Q, R627Q, R619Q.
Identifiers: ClinVar variation 969023 (VCV000969023.9), dbSNP rs201174934, ClinGen allele CA8046609.

ClinVar aggregate classification (germline): Uncertain significance. Review status: criteria provided, multiple submitters, no conflicts (2 of 4 stars). 2 submissions from 2 submitters: Uncertain significance (2). Last evaluated 2025-06-12.

Conditions:
Nephronophthisis 14 (NPHP14). Identifiers: Orphanet 2318, MedGen C3539071, MONDO:0013916, OMIM 614844.

Allele frequency attached by ClinVar (database versions not stated): ExAC 0.00003; gnomAD 0.00003 and 0.00004; TOPMed 0.00003; gnomAD exomes 0.00004 and 0.00011; 1000 Genomes Project 0.00020; 1000 Genomes Project 30x 0.00031.
gnomAD v4.1: 162 of 1,614,170 alleles (0.01%); highest among the groups gnomAD compares: Middle Eastern, 0.016%; no homozygotes.

Submissions (2):

Labcorp Genetics (formerly Invitae), Labcorp
Classification: Uncertain significance for Nephronophthisis 14. Last evaluated: 2025-06-12. Review status: criteria provided, single submitter. Criteria: Invitae Variant Classification Sherloc (09022015). Collection method: clinical testing. Allele origin: germline.
Comment: This sequence change replaces arginine, which is basic and polar, with glutamine, which is neutral and polar, at codon 619 of the ZNF423 protein (p.Arg619Gln). This variant is present in population databases (rs201174934, gnomAD 0.009%). This variant has not been reported in the literature in individuals affected with ZNF423-related conditions. ClinVar contains an entry for this variant (Variation ID: 969023). Invitae Evidence Modeling of protein sequence and biophysical properties (such as structural, functional, and spatial information, amino acid conservation, physicochemical variation, residue mobility, and thermodynamic stability) indicates that this missense variant is not expected to disrupt ZNF423 protein function with a negative predictive value of 80%. In summary, the available evidence is currently insufficient to determine the role of this variant in disease. Therefore, it has been classified as a Variant of Uncertain Significance.

Blueprint Genetics
Classification: Uncertain significance. Last evaluated: 2023-09-22. Review status: criteria provided, single submitter. Criteria: ACMG Guidelines, 2015. Collection method: clinical testing. Allele origin: germline.